The following is an entry in ClinVar:

ClinVar aggregate classification (germline): Likely pathogenic. Review status: criteria provided, multiple submitters, no conflicts (2 of 4 stars). 4 submissions from 4 submitters: Likely pathogenic (2). 2 of the submissions do not count toward it. Last evaluated 2024-08-06.

Conditions:
Tyrosinemia type I (TYRSN1). Also called: HEPATORENAL TYROSINEMIA; Tyrosinemia type 1; Fumarylacetoacetase deficiency; Deficiency of fumarylacetoacetase; FAH DEFICIENCY. Identifiers: Orphanet 882, MedGen C0268490, MONDO:0010161, OMIM 276700. Disease mechanism: loss of function.

Submissions (4):

Natera, Inc.
Classification: Likely pathogenic for Tyrosinemia type I. Last evaluated: 2024-08-06. Review status: criteria provided, single submitter. Criteria: Natera Variant Classification Schema (03/2026). Collection method: clinical testing. Allele origin: germline.
Comment: The c.706+2T>G variant in FAH is a canonical splice donor site variant predicted to affect pre-mRNA splicing, which may result in an abnormal transcript and altered protein product. This variant is expected to result in nonsense mediated decay, truncation, or a dysfunctional protein product. This variant is rare in the general population with a frequency below the threshold expected for the associated phenotype(s). Given the available evidence, this variant is classified as Likely Pathogenic.

Labcorp Genetics (formerly Invitae), Labcorp
Classification: Likely pathogenic for Tyrosinemia type I. Last evaluated: 2022-06-23. Review status: criteria provided, single submitter. Criteria: Invitae Variant Classification Sherloc (09022015). Collection method: clinical testing. Allele origin: germline.
Comment: ClinVar contains an entry for this variant (Variation ID: 550532). Algorithms developed to predict the effect of sequence changes on RNA splicing suggest that this variant may disrupt the consensus splice site. In summary, the currently available evidence indicates that the variant is pathogenic, but additional data are needed to prove that conclusively. Therefore, this variant has been classified as Likely Pathogenic. This sequence change affects a donor splice site in intron 8 of the FAH gene. It is expected to disrupt RNA splicing. Variants that disrupt the donor or acceptor splice site typically lead to a loss of protein function (PMID: 16199547), and loss-of-function variants in FAH are known to be pathogenic (PMID: 9101289, 9633815). This variant is not present in population databases (gnomAD no frequency). This variant has not been reported in the literature in individuals affected with FAH-related conditions.

Counsyl
Classification: Likely pathogenic for Tyrosinemia type I. Last evaluated: 2017-02-14. Review status: no assertion criteria provided. Collection method: clinical testing. Allele origin: unknown. Not counted in ClinVar's aggregate classification.

Baylor Genetics
Classification: Likely pathogenic for Tyrosinemia type I. Review status: no assertion criteria provided. Collection method: clinical testing. Allele origin: unknown. Not counted in ClinVar's aggregate classification.

Literature cited by the submitters: PubMed 16199547 (cited by Labcorp Genetics (formerly Invitae), Labcorp); PubMed 9101289 (cited by Labcorp Genetics (formerly Invitae), Labcorp); PubMed 9633815 (cited by Labcorp Genetics (formerly Invitae), Labcorp).

NM_000137.4(FAH):c.706+2T>G

Gene: FAH (fumarylacetoacetate hydrolase; plus strand). Cytogenetic location: 15q25.1.
Variant type: single nucleotide variant.
Coding change: c.706+2T>G on transcript NM_000137.4 (MANE Select); the canonical splice donor site of the intron after coding-DNA position 706, T replaced by G.
Molecular consequence: splice donor variant.
Genome position (GRCh38, 1-based): chr15:80,172,250, T>G. VCF-style: chr15-80172250-T-G. GRCh37 (hg19) VCF-style: chr15-80464592-T-G.
Other names: c.706+2T>G (NM_001374377.1, NM_001374380.1).
Identifiers: ClinVar variation 550532 (VCV000550532.10), dbSNP rs1555441597, ClinGen allele CA393620628.